The following is an entry in ClinVar:

NM_001170629.2(CHD8):c.5365del (p.Ile1789fs)

Gene: CHD8 (chromodomain helicase DNA binding protein 8; minus strand). Cytogenetic location: 14q11.2.
Variant type: Deletion.
Coding change: c.5365del on transcript NM_001170629.2 (MANE Select); coding-DNA position 5365, one base deleted (A; older notation c.5365delA).
Protein change: p.Ile1789fs; shifts the reading frame from isoleucine 1789.
Molecular consequence: frameshift variant.
Genome position (GRCh38, 1-based): chr14:21,394,937, T deleted on the plus strand (A on the coding strand, the reverse complement: CHD8 is on the minus strand); the first of 3 consecutive T bases (chr14:21,394,937-21,394,939); deleting any one gives the same sequence. VCF-style (leftmost placement, unchanged base first): chr14-21394936-AT-A. GRCh37 (hg19) VCF-style: chr14-21863095-AT-A.
Other names: c.4528del, p.Ile1510fs (NM_020920.4); short protein forms I1510fs, I1789fs.
Identifiers: ClinVar variation 2672554 (VCV002672554.23), dbSNP rs2501862875, ClinGen allele CA2695199786.

ClinVar aggregate classification (germline): Pathogenic (1 of 4 stars; one submission).

Submission:

CeGaT Center for Human Genetics Tuebingen
Classification: Pathogenic. Last evaluated: 2023-11-01. Review status: criteria provided, single submitter. Criteria: CeGaT Center For Human Genetics Tuebingen Variant Classification Criteria Version 2. Collection method: clinical testing. Allele origin: germline. Affected: yes. Observed: 1 variant allele.
Comment: CHD8: PVS1, PM2